The following is an entry in ClinVar:

ClinVar aggregate classification (germline): Benign (1 of 4 stars; one submission).

Conditions:
Erythrocytosis, familial, 3 (ECYT3). Identifiers: Orphanet 247511, MedGen C1853286, MONDO:0012353, OMIM 609820.

Allele frequency attached by ClinVar (database versions not stated): gnomAD 0.00143 and 0.00149; TOPMed 0.00175; 1000 Genomes Project 0.00040; 1000 Genomes Project 30x 0.00125.

Submission:

Illumina Laboratory Services, Illumina
Classification: Benign for Erythrocytosis, familial, 3. Last evaluated: 2018-01-13. Review status: criteria provided, single submitter. Criteria: ICSL Variant Classification Criteria 13 December 2019. Collection method: clinical testing. Allele origin: germline.
Comment: This variant was observed in the ICSL laboratory as part of a predisposition screen in an ostensibly healthy population. It had not been previously curated by ICSL or reported in the Human Gene Mutation Database (HGMD: prior to June 1st, 2018), and was therefore a candidate for classification through an automated scoring system. Utilizing variant allele frequency, disease prevalence and penetrance estimates, and inheritance mode, an automated score was calculated to assess if this variant is too frequent to cause the disease. Based on the score and internal cut-off values, a variant classified as benign is not then subjected to further curation. The score for this variant resulted in a classification of benign for this disease.

NM_022051.2(EGLN1):c.-1609G>A

Gene: EGLN1 (egl-9 family hypoxia inducible factor 1; minus strand). Cytogenetic location: 1q42.2.
Variant type: single nucleotide variant.
Coding change: c.-1609G>A on transcript NM_022051.2; 1609 bases upstream of the start codon, G replaced by A.
Genome position (GRCh38, 1-based): chr1:231,423,497, C>T on the plus strand (G>A on the coding strand, the complement: EGLN1 is on the minus strand). VCF-style: chr1-231423497-C-T. GRCh37 (hg19) VCF-style: chr1-231559243-C-T.
Identifiers: ClinVar variation 296224 (VCV000296224.7), dbSNP rs41303113, ClinGen allele CA10609344.